The following is an entry in ClinVar:

NM_002340.6(LSS):c.927C>G (p.Ala309=)

Gene: LSS (lanosterol synthase; minus strand). Cytogenetic location: 21q22.3.
Variant type: single nucleotide variant.
Coding change: c.927C>G on transcript NM_002340.6 (MANE Select); coding-DNA position 927, C replaced by G.
Protein change: p.Ala309=; no amino-acid change (alanine 309 retained).
Molecular consequence: synonymous variant.
Genome position (GRCh38, 1-based): chr21:46,215,264, G>C on the plus strand (C>G on the coding strand, the complement: LSS is on the minus strand). VCF-style: chr21-46215264-G-C. GRCh37 (hg19) VCF-style: chr21-47635178-G-C.
Other names: c.927C>G (NM_001001438.2); c.927C>G, p.Ala309= (NM_001001438.3); c.894C>G, p.Ala298= (NM_001145436.2); c.687C>G, p.Ala229= (NM_001145437.2).
Identifiers: ClinVar variation 2721060 (VCV002721060.27), dbSNP rs140661430, ClinGen allele CA10075260.
Genomic context (GRCh38, chr21:46,215,264, plus strand): 5'-GAATCGGTCGTCGGCCACAATGTGTTCATACAGCTTCTGCACGGCCCGCTGCCGCAGGTG[G>C]GCACTGTGGTGGTGCTCATACAGGTTGAGGAGCGCTACAGGGGACAGGGGTCAGTGGATG-3'
Protein context (NP_002331.3, residues 299-319): LLNLYEHHHS[Ala309=]HLRQRAVQKL

ClinVar aggregate classification (germline): Benign/Likely benign. Review status: criteria provided, multiple submitters, no conflicts (2 of 4 stars). 4 submissions from 4 submitters: Benign (1); Likely benign (2). 1 of the submissions does not count toward it. Last evaluated 2024-01-01.

Conditions:
LSS-related disorder. Also called: LSS-related condition.

Allele frequency attached by ClinVar (database versions not stated): gnomAD exomes 0.00010; ExAC 0.00028; 1000 Genomes Project 30x 0.00047; 1000 Genomes Project 0.00060; ESP Exome Variant Server 0.00092; TOPMed 0.00113.
gnomAD v4.1: 294 of 1,610,610 alleles (0.018%); highest among the groups gnomAD compares: African/African-American, 0.36%; no homozygotes.

Submissions (4):

CeGaT Center for Human Genetics Tuebingen
Classification: Likely benign. Last evaluated: 2024-01-01. Review status: criteria provided, single submitter. Criteria: CeGaT Center For Human Genetics Tuebingen Variant Classification Criteria Version 2. Collection method: clinical testing. Allele origin: germline. Affected: yes. Observed: 1 variant allele.
Comment: LSS: BP4, BP7

Blueprint Genetics
Classification: Likely benign. Last evaluated: 2023-11-28. Review status: criteria provided, single submitter. Criteria: ACMG Guidelines, 2015. Collection method: clinical testing. Allele origin: germline.

Labcorp Genetics (formerly Invitae), Labcorp
Classification: Benign. Last evaluated: 2023-08-09. Review status: criteria provided, single submitter. Criteria: Invitae Variant Classification Sherloc (09022015). Collection method: clinical testing. Allele origin: germline.

PreventionGenetics, part of Exact Sciences
Classification: Likely benign for LSS-related condition. Last evaluated: 2019-04-11. Review status: no assertion criteria provided. Collection method: clinical testing. Allele origin: germline. Not counted in ClinVar's aggregate classification.
Comment: This variant is classified as likely benign based on ACMG/AMP sequence variant interpretation guidelines (Richards et al. 2015 PMID: 25741868, with internal and published modifications).